The following is an entry in ClinVar:

ClinVar aggregate classification (germline): Uncertain significance (1 of 4 stars; one submission).

gnomAD v4.1: 20 of 1,610,134 alleles (0.0012%); highest among the groups gnomAD compares: Middle Eastern, 0.016%; no homozygotes.

Submission:

Labcorp Genetics (formerly Invitae), Labcorp
Classification: Uncertain significance. Last evaluated: 2026-02-02. Review status: criteria provided, single submitter. Criteria: Invitae Variant Classification Sherloc (09022015). Collection method: clinical testing. Allele origin: germline.
Comment: This sequence change replaces valine, which is neutral and non-polar, with isoleucine, which is neutral and non-polar, at codon 319 of the PAX5 protein (p.Val319Ile). The frequency data for this variant in the population databases is considered unreliable, as metrics indicate poor data quality at this position in the gnomAD database. This variant has not been reported in the literature in individuals affected with PAX5-related conditions. Invitae Evidence Modeling of protein sequence and biophysical properties (such as structural, functional, and spatial information, amino acid conservation, physicochemical variation, residue mobility, and thermodynamic stability) indicates that this missense variant is not expected to disrupt PAX5 protein function with a negative predictive value of 80%. In summary, the available evidence is currently insufficient to determine the role of this variant in disease. Therefore, it has been classified as a Variant of Uncertain Significance.

NM_016734.3(PAX5):c.955G>A (p.Val319Ile)

Gene: PAX5 (paired box 5; minus strand). Cytogenetic location: 9p13.2.
Variant type: single nucleotide variant.
Coding change: c.955G>A on transcript NM_016734.3 (MANE Select); coding-DNA position 955, G replaced by A.
Protein change: p.Val319Ile; replaces valine 319 with isoleucine.
Molecular consequence: missense variant. On other transcripts: non-coding transcript variant (2), intron variant (6).
Genome position (GRCh38, 1-based): chr9:36,882,061, C>T on the plus strand (G>A on the coding strand, the complement: PAX5 is on the minus strand). VCF-style: chr9-36882061-C-T. GRCh37 (hg19) VCF-style: chr9-36882058-C-T.
Other names: c.955G>A, p.Val319Ile (NM_001280548.2); c.826G>A, p.Val276Ile (NM_001280553.2, NM_001280554.2); c.631G>A, p.Val211Ile (NM_001280556.2); c.586+41294G>A (NM_001280551.2); c.713-35132G>A (NM_001280555.2); c.781-41425G>A (NM_001280550.2); c.781-35132G>A (NM_001280549.2); c.910+41294G>A (NM_001280552.2); and 1 more; short protein forms V276I, V319I, V211I.
Identifiers: ClinVar variation 4763627 (VCV004763627.1).